The following is an entry in ClinVar:

ClinVar aggregate classification (germline): Likely benign. Review status: criteria provided, multiple submitters, no conflicts (2 of 4 stars). 2 submissions from 2 submitters: Likely benign (2). Last evaluated 2023-10-31.

Allele frequency attached by ClinVar (database versions not stated): gnomAD 0.00001; ExAC 0.00002; gnomAD exomes 0.00002.
gnomAD v4.1: 28 of 1,614,068 alleles (0.0017%); highest among the groups gnomAD compares: Middle Eastern, 0.016%; no homozygotes.

Submissions (2):

Labcorp Genetics (formerly Invitae), Labcorp
Classification: Likely benign. Last evaluated: 2023-10-31. Review status: criteria provided, single submitter. Criteria: Invitae Variant Classification Sherloc (09022015). Collection method: clinical testing. Allele origin: germline.

GeneDx
Classification: Likely benign. Last evaluated: 2016-08-11. Review status: criteria provided, single submitter. Criteria: GeneDx Variant Classification (06012015). Collection method: clinical testing. Allele origin: germline. Affected: yes.
Comment: This variant is considered likely benign or benign based on one or more of the following criteria: it is a conservative change, it occurs at a poorly conserved position in the protein, it is predicted to be benign by multiple in silico algorithms, and/or has population frequency not consistent with disease.

NM_017837.4(PIGV):c.183C>T (p.Gly61=)

Gene: PIGV (phosphatidylinositol glycan anchor biosynthesis class V; plus strand). Cytogenetic location: 1p36.11.
Variant type: single nucleotide variant.
Coding change: c.183C>T on transcript NM_017837.4 (MANE Select); coding-DNA position 183, C replaced by T.
Protein change: p.Gly61=; no amino-acid change (glycine 61 retained).
Molecular consequence: synonymous variant. On other transcripts: 5 prime UTR variant (1), non-coding transcript variant (2), intron variant (3).
Genome position (GRCh38, 1-based): chr1:26,794,217, C>T. VCF-style: chr1-26794217-C-T. GRCh37 (hg19) VCF-style: chr1-27120708-C-T.
Other names: c.183C>T, p.Gly61= (NM_001202554.2, NM_001374478.1, NM_001374480.1 and 2 more transcripts); c.-199C>T (NM_001374483.1); c.172+11C>T (NM_001374484.1, NM_001374485.1); c.78+3324C>T (NM_001374486.1).
Identifiers: ClinVar variation 388434 (VCV000388434.8), dbSNP rs769117896, ClinGen allele CA708011.
Genomic context (GRCh38, chr1:26,794,217, plus strand): 5'-CTCTCCTCCTCGCCTGGCCCCCTCAGGCTTTGTGGACCAACTCGTGGAAGGTCTTCTGGG[C>T]GGCCTGTCTCACTGGGATGCTGAACACTTCTTGTTCATTGCTGAGCATGGCTACCTGTAT-3'
Protein context (NP_060307.2, residues 51-71): FVDQLVEGLL[Gly61=]GLSHWDAEHF